The following is an entry in ClinVar:

ClinVar aggregate classification (germline): Likely benign. Review status: criteria provided, multiple submitters, no conflicts (2 of 4 stars). 2 submissions from 2 submitters: Likely benign (2). Last evaluated 2022-06-01.

Allele frequency attached by ClinVar (database versions not stated): ESP Exome Variant Server 0.00023; gnomAD 0.00031 and 0.00035; ExAC 0.00028; TOPMed 0.00035; gnomAD exomes 0.00036 and 0.00062.

Submissions (2):

CeGaT Center for Human Genetics Tuebingen
Classification: Likely benign. Last evaluated: 2022-06-01. Review status: criteria provided, single submitter. Criteria: CeGaT Center For Human Genetics Tuebingen Variant Classification Criteria Version 2. Collection method: clinical testing. Allele origin: germline. Affected: yes. Observed: 1 variant allele.
Comment: NCAPD2: BP4, BP7

Labcorp Genetics (formerly Invitae), Labcorp
Classification: Likely benign. Last evaluated: 2018-07-19. Review status: criteria provided, single submitter. Criteria: Invitae Variant Classification Sherloc (09022015). Collection method: clinical testing. Allele origin: germline.

NM_014865.4(NCAPD2):c.3738T>C (p.Asn1246=)

Gene: NCAPD2 (non-SMC condensin I complex subunit D2; plus strand). Cytogenetic location: 12p13.31.
Variant type: single nucleotide variant.
Coding change: c.3738T>C on transcript NM_014865.4 (MANE Select); coding-DNA position 3738, T replaced by C.
Protein change: p.Asn1246=; no amino-acid change (asparagine 1246 retained).
Molecular consequence: synonymous variant.
Genome position (GRCh38, 1-based): chr12:6,529,859, T>C. VCF-style: chr12-6529859-T-C. GRCh37 (hg19) VCF-style: chr12-6639025-T-C.
Identifiers: ClinVar variation 732891 (VCV000732891.27), dbSNP rs148895571, ClinGen allele CA6409173.